The following is an entry in ClinVar:

ClinVar aggregate classification (germline): Uncertain significance (1 of 4 stars; one submission).

Submission:

GeneDx
Classification: Uncertain significance. Last evaluated: 2024-05-29. Review status: criteria provided, single submitter. Criteria: GeneDx Variant Classification Process June 2021. Collection method: clinical testing. Allele origin: germline. Affected: yes.
Comment: Not observed at significant frequency in large population cohorts (gnomAD); In silico analysis supports that this missense variant has a deleterious effect on protein structure/function; Has not been previously published as pathogenic or benign to our knowledge; This variant is associated with the following publications: (PMID: 22982744)

NM_001365902.3(NFIX):c.64C>G (p.His22Asp)

Gene: NFIX (nuclear factor I X; plus strand). Cytogenetic location: 19p13.13.
Variant type: single nucleotide variant.
Coding change: c.64C>G on transcript NM_001365902.3 (MANE Select); coding-DNA position 64, C replaced by G.
Protein change: p.His22Asp; replaces histidine 22 with aspartic acid.
Molecular consequence: missense variant. On other transcripts: 5 prime UTR variant (1).
Genome position (GRCh38, 1-based): chr19:13,025,057, C>G. VCF-style: chr19-13025057-C-G. GRCh37 (hg19) VCF-style: chr19-13135871-C-G.
Other names: c.88C>G, p.His30Asp (NM_001271043.2); c.40C>G, p.His14Asp (NM_001271044.3, NM_001378404.1); c.64C>G, p.His22Asp (NM_001365982.2, NM_002501.4); c.-78C>G (NM_001365983.2); c.61C>G, p.His21Asp (NM_001365984.2, NM_001365985.2); c.112C>G, p.His38Asp (NM_001378405.1); short protein forms H14D, H21D, H22D, H30D, H38D.
Identifiers: ClinVar variation 3383734 (VCV003383734.1).
Genomic context (GRCh38, chr19:13,025,057, plus strand): 5'-ATGCTCCCGGCTTGCCGCCTGCAGGATGAGTTCCACCCGTTCATCGAGGCACTGCTGCCT[C>G]ACGTCCGCGCTTTCTCCTACACCTGGTTCAACCTGCAGGCGCGGAAGCGCAAGTACTTCA-3'
Protein context (NP_001352831.1, residues 12-32): FHPFIEALLP[His22Asp]VRAFSYTWFN